The following is an entry in ClinVar:

ClinVar aggregate classification (germline): Uncertain significance (1 of 4 stars; one submission).

Conditions:
Early Myoclonic Encephalopathy. Identifiers: MedGen C0270855.

Submission:

Labcorp Genetics (formerly Invitae), Labcorp
Classification: Uncertain significance for Early Myoclonic Encephalopathy. Last evaluated: 2022-05-12. Review status: criteria provided, single submitter. Criteria: Invitae Variant Classification Sherloc (09022015). Collection method: clinical testing. Allele origin: germline.
Comment: In summary, the available evidence is currently insufficient to determine the role of this variant in disease. Therefore, it has been classified as a Variant of Uncertain Significance. This variant has not been reported in the literature in individuals affected with KCND2-related conditions. This variant is not present in population databases (gnomAD no frequency). This sequence change creates a premature translational stop signal (p.Asp284Glufs*31) in the KCND2 gene. It is expected to result in an absent or disrupted protein product. However, the current clinical and genetic evidence is not sufficient to establish whether loss-of-function variants in KCND2 cause disease.

NM_012281.3(KCND2):c.852_861del (p.Asp284fs)

Gene: KCND2 (potassium voltage-gated channel subfamily D member 2; plus strand). Cytogenetic location: 7q31.31.
Variant type: Deletion.
Coding change: c.852_861del on transcript NM_012281.3 (MANE Select); coding-DNA positions 852 to 861, 10 bases deleted (CGTCAGCGGA; older notation c.852_861delCGTCAGCGGA).
Protein change: p.Asp284fs; shifts the reading frame from aspartic acid 284.
Molecular consequence: frameshift variant.
Genome position (GRCh38, 1-based): chr7:120,275,484-120,275,493, CGTCAGCGGA deleted; deleting any 10 consecutive bases within chr7:120,275,481-120,275,493 gives the same sequence; the c. name uses the placement nearest the transcript's 3' end. VCF-style (leftmost placement, unchanged base first): chr7-120275480-AGGACGTCAGC-A. GRCh37 (hg19) VCF-style: chr7-119915534-AGGACGTCAGC-A.
Other names: short protein forms D284fs.
Identifiers: ClinVar variation 1993255 (VCV001993255.4), dbSNP rs2546907599, ClinGen allele CA2580076394.
Genomic context (GRCh38, chr7:120,275,480, plus strand): 5'-GTATCATCGACGTGGTGGCCATCCTGCCTTATTACATTGGGCTGGTGATGACAGACAATG[AGGACGTCAGC>A]GGAGCCTTTGTCACACTCCGAGTCTTCCGGGTCTTCAGGATCTTTAAGTTTTCCCGCCAC-3'